The following is an entry in ClinVar:

NM_000057.4(BLM):c.925A>C (p.Ile309Leu)

Gene: BLM (BLM RecQ like helicase; plus strand). Cytogenetic location: 15q26.1.
Variant type: single nucleotide variant.
Coding change: c.925A>C on transcript NM_000057.4 (MANE Select); coding-DNA position 925, A replaced by C.
Protein change: p.Ile309Leu; replaces isoleucine 309 with leucine.
Molecular consequence: missense variant. On other transcripts: 5 prime UTR variant (1).
Genome position (GRCh38, 1-based): chr15:90,751,912, A>C. VCF-style: chr15-90751912-A-C. GRCh37 (hg19) VCF-style: chr15-91295142-A-C.
Other names: c.925A>C, p.Ile309Leu (NM_001287246.2, NM_001287247.2); c.-367A>C (NM_001287248.2); short protein forms I309L.
Identifiers: ClinVar variation 1766351 (VCV001766351.2), dbSNP rs1895697273, ClinGen allele CA393841894.

ClinVar aggregate classification (germline): Uncertain significance (1 of 4 stars; one submission).

Conditions:
Hereditary cancer-predisposing syndrome. Also called: Hereditary Cancer Syndrome; Hereditary neoplastic syndrome; Neoplastic Syndromes, Hereditary; Tumor predisposition. Identifiers: Orphanet 140162, MedGen C0027672, MeSH D009386, MONDO:0015356.

Submission:

Ambry Genetics
Classification: Uncertain significance for Hereditary cancer-predisposing syndrome. Last evaluated: 2022-03-31. Review status: criteria provided, single submitter. Criteria: Ambry Variant Classification Scheme 2023. Collection method: clinical testing. Allele origin: germline.
Comment: The p.I309L variant (also known as c.925A>C), located in coding exon 3 of the BLM gene, results from an A to C substitution at nucleotide position 925. The isoleucine at codon 309 is replaced by leucine, an amino acid with highly similar properties. This amino acid position is conserved. In addition, this alteration is predicted to be tolerated by in silico analysis. Since supporting evidence is limited at this time, the clinical significance of this alteration remains unclear.